The following is an entry in ClinVar:

NM_000170.3(GLDC):c.66G>C (p.Leu22=)

Gene: GLDC (glycine decarboxylase; minus strand). Cytogenetic location: 9p24.1.
Variant type: single nucleotide variant.
Coding change: c.66G>C on transcript NM_000170.3 (MANE Select); coding-DNA position 66, G replaced by C.
Protein change: p.Leu22=; no amino-acid change (leucine 22 retained).
Molecular consequence: synonymous variant.
Genome position (GRCh38, 1-based): chr9:6,645,434, C>G on the plus strand (G>C on the coding strand, the complement: GLDC is on the minus strand). VCF-style: chr9-6645434-C-G. GRCh37 (hg19) VCF-style: chr9-6645434-C-G.
Identifiers: ClinVar variation 1077261 (VCV001077261.36), dbSNP rs1337924090, ClinGen allele CA463835026.

ClinVar aggregate classification (germline): Likely benign. Review status: criteria provided, multiple submitters, no conflicts (2 of 4 stars). 3 submissions from 3 submitters: Likely benign (2). 1 of the submissions does not count toward it. Last evaluated 2023-11-28.

Conditions:
Glycine encephalopathy. Also called: Non-ketotic hyperglycinemia; Nonketotic hyperglycinemia. Identifiers: Orphanet 407, MedGen C0751748, MONDO:0011612, HP:0008288.

gnomAD v4.1: 25 of 1,280,646 alleles (0.002%); highest among the groups gnomAD compares: Non-Finnish European, 0.0023%; no homozygotes.

Submissions (3):

Labcorp Genetics (formerly Invitae), Labcorp
Classification: Likely benign for Glycine encephalopathy. Last evaluated: 2023-11-28. Review status: criteria provided, single submitter. Criteria: Invitae Variant Classification Sherloc (09022015). Collection method: clinical testing. Allele origin: germline.

CeGaT Center for Human Genetics Tuebingen
Classification: Likely benign. Last evaluated: 2023-07-01. Review status: criteria provided, single submitter. Criteria: CeGaT Center For Human Genetics Tuebingen Variant Classification Criteria Version 2. Collection method: clinical testing. Allele origin: germline. Affected: yes. Observed: 1 variant allele.
Comment: GLDC: BP4, BP7

Natera, Inc.
Classification: Likely benign for Non-ketotic hyperglycinemia. Last evaluated: 2021-08-18. Review status: no assertion criteria provided. Collection method: clinical testing. Allele origin: germline. Not counted in ClinVar's aggregate classification.